The following is an entry in ClinVar:

NM_002691.4(POLD1):c.1171G>T (p.Asp391Tyr)

Gene: POLD1 (DNA polymerase delta 1, catalytic subunit; plus strand). Cytogenetic location: 19q13.33.
Variant type: single nucleotide variant.
Coding change: c.1171G>T on transcript NM_002691.4 (MANE Select); coding-DNA position 1171, G replaced by T.
Protein change: p.Asp391Tyr; replaces aspartic acid 391 with tyrosine.
Molecular consequence: missense variant. On other transcripts: non-coding transcript variant (1).
Genome position (GRCh38, 1-based): chr19:50,403,526, G>T. VCF-style: chr19-50403526-G-T. GRCh37 (hg19) VCF-style: chr19-50906783-G-T.
Other names: c.1171G>T, p.Asp391Tyr (NM_001256849.1, NM_001308632.1); short protein forms D391Y.
Identifiers: ClinVar variation 3308317 (VCV003308317.1).

ClinVar aggregate classification (germline): Uncertain significance (1 of 4 stars; one submission).

Conditions:
Hereditary cancer-predisposing syndrome. Also called: Tumor predisposition; Hereditary Cancer Syndrome; Hereditary neoplastic syndrome; Neoplastic Syndromes, Hereditary. Identifiers: Orphanet 140162, MedGen C0027672, MeSH D009386, MONDO:0015356.

Submission:

Ambry Genetics
Classification: Uncertain significance for Hereditary cancer-predisposing syndrome. Last evaluated: 2024-06-23. Review status: criteria provided, single submitter. Criteria: Ambry Variant Classification Scheme 2023. Collection method: clinical testing. Allele origin: germline.
Comment: The p.D391Y variant (also known as c.1171G>T), located in coding exon 9 of the POLD1 gene, results from a G to T substitution at nucleotide position 1171. The aspartic acid at codon 391 is replaced by tyrosine, an amino acid with highly dissimilar properties. This amino acid position is conserved. In addition, this alteration is predicted to be deleterious by in silico analysis. Based on the available evidence, the clinical significance of this variant remains unclear.